The following is an entry in ClinVar:

NM_001283009.2(RTEL1):c.2257G>A (p.Glu753Lys)

Genes: RTEL1 (regulator of telomere elongation helicase 1; plus strand), RTEL1-TNFRSF6B (RTEL1-TNFRSF6B readthrough (NMD candidate); plus strand). Cytogenetic location: 20q13.33.
Variant type: single nucleotide variant.
Coding change: c.2257G>A on transcript NM_001283009.2 (MANE Select); coding-DNA position 2257, G replaced by A.
Protein change: p.Glu753Lys; replaces glutamic acid 753 with lysine.
Molecular consequence: missense variant. On other transcripts: non-coding transcript variant (1).
Genome position (GRCh38, 1-based): chr20:63,690,202, G>A. VCF-style: chr20-63690202-G-A. GRCh37 (hg19) VCF-style: chr20-62321555-G-A.
Other names: c.1588G>A, p.Glu530Lys (NM_001283010.1); c.2257G>A, p.Glu753Lys (NM_016434.4); c.2329G>A, p.Glu777Lys (NM_032957.5); short protein forms E530K, E753K, E777K.
Identifiers: ClinVar variation 2055503 (VCV002055503.3), dbSNP rs755033095, ClinGen allele CA9965236.
Genomic context (GRCh38, chr20:63,690,202, plus strand): 5'-AGGGTGTATGACAACTTTGGCCATGTCATCCGAGACGTGGCCCAGTTCTTCCGTGTTGCC[G>A]AGCGAACTGTGAGTTCCTGCCCAGGGAGGGGATGAGGGTGTTGTCCCCAGAGGAGCCAGA-3'
Protein context (NP_001269938.1, residues 743-763): RDVAQFFRVA[Glu753Lys]RTMPAPAPRA

ClinVar aggregate classification (germline): Uncertain significance. Review status: criteria provided, multiple submitters, no conflicts (2 of 4 stars). 2 submissions from 2 submitters: Uncertain significance (2). Last evaluated 2026-01-06.

Conditions:
Pulmonary fibrosis and/or bone marrow failure, Telomere-related, 3. Also called: PULMONARY FIBROSIS AND/OR BONE MARROW FAILURE SYNDROME, TELOMERE-RELATED, 3. Identifiers: Orphanet 2032, MedGen C4225346, MONDO:0014613, OMIM 616373.
Dyskeratosis congenita, autosomal recessive 5 (DKCB5). Identifiers: MedGen C3554656, MONDO:0014076, OMIM 615190.
Inborn genetic diseases. Identifiers: MedGen C0950123, MeSH D030342.

Allele frequency attached by ClinVar (database versions not stated): gnomAD 0.00001; TOPMed 0.00001.
gnomAD v4.1: 14 of 1,612,242 alleles (0.00087%); highest among the groups gnomAD compares: Admixed American, 0.0017%; no homozygotes.

Submissions (2):

Labcorp Genetics (formerly Invitae), Labcorp
Classification: Uncertain significance for Dyskeratosis congenita, autosomal recessive 5; Pulmonary fibrosis and/or bone marrow failure, Telomere-related, 3. Last evaluated: 2026-01-06. Review status: criteria provided, single submitter. Criteria: Invitae Variant Classification Sherloc (09022015). Collection method: clinical testing. Allele origin: germline.
Comment: This sequence change replaces glutamic acid, which is acidic and polar, with lysine, which is basic and polar, at codon 753 of the RTEL1 protein (p.Glu753Lys). This variant is present in population databases (rs755033095, gnomAD 0.006%). This variant has not been reported in the literature in individuals affected with RTEL1-related conditions. ClinVar contains an entry for this variant (Variation ID: 2055503). An algorithm developed to predict the effect of missense changes on protein structure and function (PolyPhen-2) suggests that this variant is likely to be tolerated. In summary, the available evidence is currently insufficient to determine the role of this variant in disease. Therefore, it has been classified as a Variant of Uncertain Significance.

Ambry Genetics
Classification: Uncertain significance for Inborn genetic diseases. Last evaluated: 2021-12-03. Review status: criteria provided, single submitter. Criteria: Ambry Variant Classification Scheme 2023. Collection method: clinical testing. Allele origin: germline.